The following is an entry in ClinVar:

ClinVar aggregate classification (germline): Uncertain significance (1 of 4 stars; one submission).

Conditions:
Familial adenomatous polyposis 1 (FAP1). Also called: POLYPOSIS, ADENOMATOUS INTESTINAL; FAMILIAL ADENOMATOUS POLYPOSIS 1, ATTENUATED. Identifiers: MedGen C2713442, MONDO:0021056, OMIM 175100. Disease mechanism: loss of function.

Submission:

Labcorp Genetics (formerly Invitae), Labcorp
Classification: Uncertain significance for Familial adenomatous polyposis 1. Last evaluated: 2022-01-06. Review status: criteria provided, single submitter. Criteria: Invitae Variant Classification Sherloc (09022015). Collection method: clinical testing. Allele origin: germline.
Comment: In summary, the available evidence is currently insufficient to determine the role of this variant in disease. Therefore, it has been classified as a Variant of Uncertain Significance. This variant has not been reported in the literature in individuals affected with APC-related conditions. This variant results in a copy number gain of the genomic region encompassing exon(s) 9-16 of the APC gene. This region includes the termination codon of the gene. This copy number gain extends beyond the assayed region for this gene and therefore may encompass additional genes. As the precise location of this event is unknown, it may be in tandem or it may be located elsewhere in the genome.

NC_000005.9:g.(?_112151175)_(112179823_?)dup

Gene: APC (APC regulator of Wnt signaling pathway; plus strand). Cytogenetic location: 5q22.2.
Variant type: Duplication.
Identifiers: ClinVar variation 1022172 (VCV001022172.46).